The following is an entry in ClinVar:

NM_000836.4(GRIN2D):c.2800C>T (p.Pro934Ser)

Gene: GRIN2D (glutamate ionotropic receptor NMDA type subunit 2D; plus strand). Cytogenetic location: 19q13.33.
Variant type: single nucleotide variant.
Coding change: c.2800C>T on transcript NM_000836.4 (MANE Select); coding-DNA position 2800, C replaced by T.
Protein change: p.Pro934Ser; replaces proline 934 with serine.
Molecular consequence: missense variant.
Genome position (GRCh38, 1-based): chr19:48,442,726, C>T. VCF-style: chr19-48442726-C-T. GRCh37 (hg19) VCF-style: chr19-48945983-C-T.
Other names: short protein forms P934S.
Identifiers: ClinVar variation 1497164 (VCV001497164.6), dbSNP rs1362717618, ClinGen allele CA406673739.

ClinVar aggregate classification (germline): Uncertain significance (1 of 4 stars; one submission).

Allele frequency attached by ClinVar (database versions not stated): gnomAD exomes below 0.00001; gnomAD 0.00001; TOPMed 0.00001.
gnomAD v4.1: 5 of 1,116,768 alleles (0.00045%); highest among the groups gnomAD compares: South Asian, 0.0034%; no homozygotes.

Submission:

Labcorp Genetics (formerly Invitae), Labcorp
Classification: Uncertain significance. Last evaluated: 2024-05-15. Review status: criteria provided, single submitter. Criteria: Invitae Variant Classification Sherloc (09022015). Collection method: clinical testing. Allele origin: germline.
Comment: This sequence change replaces proline, which is neutral and non-polar, with serine, which is neutral and polar, at codon 934 of the GRIN2D protein (p.Pro934Ser). The frequency data for this variant in the population databases is considered unreliable, as metrics indicate insufficient coverage at this position in the gnomAD database. This variant has not been reported in the literature in individuals affected with GRIN2D-related conditions. ClinVar contains an entry for this variant (Variation ID: 1497164). Advanced modeling of protein sequence and biophysical properties (such as structural, functional, and spatial information, amino acid conservation, physicochemical variation, residue mobility, and thermodynamic stability) performed at Invitae indicates that this missense variant is not expected to disrupt GRIN2D protein function with a negative predictive value of 95%. In summary, the available evidence is currently insufficient to determine the role of this variant in disease. Therefore, it has been classified as a Variant of Uncertain Significance.